The following is an entry in ClinVar:

NM_006445.4(PRPF8):c.1186G>A (p.Asp396Asn)

Gene: PRPF8 (pre-mRNA processing factor 8; minus strand). Cytogenetic location: 17p13.3.
Variant type: single nucleotide variant.
Coding change: c.1186G>A on transcript NM_006445.4 (MANE Select); coding-DNA position 1186, G replaced by A.
Protein change: p.Asp396Asn; replaces aspartic acid 396 with asparagine.
Molecular consequence: missense variant.
Genome position (GRCh38, 1-based): chr17:1,679,712, C>T on the plus strand (G>A on the coding strand, the complement: PRPF8 is on the minus strand). VCF-style: chr17-1679712-C-T. GRCh37 (hg19) VCF-style: chr17-1583006-C-T.
Other names: short protein forms D396N.
Identifiers: ClinVar variation 3600875 (VCV003600875.2).

ClinVar aggregate classification (germline): Uncertain significance (1 of 4 stars; one submission).

Submission:

GeneDx
Classification: Uncertain significance. Last evaluated: 2026-07-23. Review status: criteria provided, single submitter. Criteria: GeneDx Variant Classification Process June 2021. Collection method: clinical testing. Allele origin: germline.
Comment: Not observed at significant frequency in large population cohorts (gnomAD); In silico analysis supports that this missense variant has a deleterious effect on protein structure/function; Has not been previously published as pathogenic or benign to our knowledge